The following is an entry in ClinVar:

ClinVar aggregate classification (germline): Likely benign. Review status: criteria provided, multiple submitters, no conflicts (2 of 4 stars). 3 submissions from 3 submitters: Likely benign (3). Last evaluated 2025-09-14.

Conditions:
Cardiomyopathy (CMYO). Also called: Cardiomyopathies. Identifiers: Orphanet 167848, MedGen C0878544, MONDO:0004994, HP:0001638. Inheritance: Various modes of inheritance.
Arrhythmogenic right ventricular dysplasia 5. Also called: Arrhythmogenic Right Ventricular Dysplasia/Cardiomyopathy 5; ARRHYTHMOGENIC RIGHT VENTRICULAR DYSPLASIA, FAMILIAL, 5. Identifiers: MedGen C1858379, MONDO:0011459, OMIM 604400.

Allele frequency attached by ClinVar (database versions not stated): gnomAD exomes below 0.00001 and 0.00001.
gnomAD v4.1: 3 of 1,614,184 alleles (0.00019%); highest among the groups gnomAD compares: Non-Finnish European, 0.00025%; no homozygotes.

Submissions (3):

Labcorp Genetics (formerly Invitae), Labcorp
Classification: Likely benign for Arrhythmogenic right ventricular dysplasia 5. Last evaluated: 2025-09-14. Review status: criteria provided, single submitter. Criteria: Invitae Variant Classification Sherloc (09022015). Collection method: clinical testing. Allele origin: germline.

Color Diagnostics, LLC DBA Color Health
Classification: Likely benign for Cardiomyopathy. Last evaluated: 2019-02-10. Review status: criteria provided, single submitter. Criteria: ACMG Guidelines, 2015. Collection method: clinical testing. Allele origin: germline.

GeneDx
Classification: Likely benign. Last evaluated: 2016-09-12. Review status: criteria provided, single submitter. Criteria: GeneDx Variant Classification (06012015). Collection method: clinical testing. Allele origin: germline. Affected: yes.
Comment: This variant is considered likely benign or benign based on one or more of the following criteria: it is a conservative change, it occurs at a poorly conserved position in the protein, it is predicted to be benign by multiple in silico algorithms, and/or has population frequency not consistent with disease.

NM_024334.3(TMEM43):c.630G>A (p.Lys210=)

Gene: TMEM43 (transmembrane protein 43; plus strand). Cytogenetic location: 3p25.1.
Variant type: single nucleotide variant.
Coding change: c.630G>A on transcript NM_024334.3 (MANE Select); coding-DNA position 630, G replaced by A.
Protein change: p.Lys210=; no amino-acid change (lysine 210 retained).
Molecular consequence: synonymous variant.
Genome position (GRCh38, 1-based): chr3:14,134,816, G>A. VCF-style: chr3-14134816-G-A. GRCh37 (hg19) VCF-style: chr3-14176316-G-A.
Identifiers: ClinVar variation 389295 (VCV000389295.5), dbSNP rs1057523392, ClinGen allele CA16604382.
Genomic context (GRCh38, chr3:14,134,816, plus strand): 5'-TCTGGTCCCCTCAGGCCTCATCGACAAAGTCGACAACTTCAAGTCCCTGAGCCTATCCAA[G>A]CTGGAGGACCCTCATGTGGACATCATTCGCCGTGGAGACTTTTTCTACCACAGCGAAAAT-3'
Protein context (NP_077310.1, residues 200-220): VDNFKSLSLS[Lys210=]LEDPHVDIIR